The following is an entry in ClinVar:

NM_000183.3(HADHB):c.1203C>T (p.Asn401=)

Gene: HADHB (hydroxyacyl-CoA dehydrogenase trifunctional multienzyme complex subunit beta; plus strand). Cytogenetic location: 2p23.3.
Variant type: single nucleotide variant.
Coding change: c.1203C>T on transcript NM_000183.3 (MANE Select); coding-DNA position 1203, C replaced by T.
Protein change: p.Asn401=; no amino-acid change (asparagine 401 retained).
Molecular consequence: synonymous variant.
Genome position (GRCh38, 1-based): chr2:26,284,936, C>T. VCF-style: chr2-26284936-C-T. GRCh37 (hg19) VCF-style: chr2-26507804-C-T.
Other names: c.1158C>T, p.Asn386= (NM_001281512.2); c.1137C>T, p.Asn379= (NM_001281513.2).
Identifiers: ClinVar variation 3053648 (VCV003053648.2), dbSNP rs894288423, ClinGen allele CA425201955.

ClinVar aggregate classification (germline): Likely benign (0 of 4 stars; one submission).

Conditions:
HADHB-related disorder. Also called: HADHB-related condition.

Submission:

PreventionGenetics, part of Exact Sciences
Classification: Likely benign for HADHB-related condition. Last evaluated: 2022-07-08. Review status: no assertion criteria provided. Collection method: clinical testing. Allele origin: germline.
Comment: This variant is classified as likely benign based on ACMG/AMP sequence variant interpretation guidelines (Richards et al. 2015 PMID: 25741868, with internal and published modifications).